The following is an entry in ClinVar:

ClinVar aggregate classification (germline): Conflicting classifications of pathogenicity. Review status: criteria provided, conflicting classifications (1 of 4 stars). 2 submissions from 2 submitters: Uncertain significance (1); Likely benign (1). Last evaluated 2025-01-26.

Conditions:
Inborn genetic diseases. Identifiers: MedGen C0950123, MeSH D030342.

Allele frequency attached by ClinVar (database versions not stated): gnomAD exomes below 0.00001; gnomAD 0.00001.

Submissions (2):

Ambry Genetics
Classification: Likely benign for Inborn genetic diseases. Last evaluated: 2025-01-26. Review status: criteria provided, single submitter. Criteria: Ambry Variant Classification Scheme 2023. Collection method: clinical testing. Allele origin: germline.

Labcorp Genetics (formerly Invitae), Labcorp
Classification: Uncertain significance. Last evaluated: 2021-12-02. Review status: criteria provided, single submitter. Criteria: Invitae Variant Classification Sherloc (09022015). Collection method: clinical testing. Allele origin: germline.
Comment: This variant has not been reported in the literature in individuals affected with PIGV-related conditions. This sequence change replaces asparagine, which is neutral and polar, with serine, which is neutral and polar, at codon 364 of the PIGV protein (p.Asn364Ser). This variant is not present in population databases (gnomAD no frequency). Algorithms developed to predict the effect of missense changes on protein structure and function output the following: SIFT: "Tolerated"; PolyPhen-2: "Benign"; Align-GVGD: "Class C0". The serine amino acid residue is found in multiple mammalian species, which suggests that this missense change does not adversely affect protein function. Algorithms developed to predict the effect of sequence changes on RNA splicing suggest that this variant may create or strengthen a splice site. In summary, the available evidence is currently insufficient to determine the role of this variant in disease. Therefore, it has been classified as a Variant of Uncertain Significance.

NM_017837.4(PIGV):c.1091A>G (p.Asn364Ser)

Gene: PIGV (phosphatidylinositol glycan anchor biosynthesis class V; plus strand). Cytogenetic location: 1p36.11.
Variant type: single nucleotide variant.
Coding change: c.1091A>G on transcript NM_017837.4 (MANE Select); coding-DNA position 1091, A replaced by G.
Protein change: p.Asn364Ser; replaces asparagine 364 with serine.
Molecular consequence: missense variant. On other transcripts: non-coding transcript variant (1), intron variant (1).
Genome position (GRCh38, 1-based): chr1:26,795,125, A>G. VCF-style: chr1-26795125-A-G. GRCh37 (hg19) VCF-style: chr1-27121616-A-G.
Other names: c.1091A>G, p.Asn364Ser (NM_001202554.2, NM_001374478.1, NM_001374480.1 and 2 more transcripts); c.710A>G, p.Asn237Ser (NM_001374483.1); c.464A>G, p.Asn155Ser (NM_001374484.1, NM_001374485.1); c.79-2438A>G (NM_001374486.1); c.1091A>G (NM_017837.3); short protein forms N155S, N364S, N237S.
Identifiers: ClinVar variation 2074027 (VCV002074027.5), dbSNP rs774037693, ClinGen allele CA19834598.